The following is an entry in ClinVar:

ClinVar aggregate classification (germline): Pathogenic/Likely pathogenic. Review status: criteria provided, multiple submitters, no conflicts (2 of 4 stars). 2 submissions from 2 submitters: Pathogenic (1); Likely pathogenic (1). Last evaluated 2023-06-28.

Submissions (2):

GeneDx
Classification: Pathogenic. Last evaluated: 2023-06-28. Review status: criteria provided, single submitter. Criteria: GeneDx Variant Classification Process June 2021. Collection method: clinical testing. Allele origin: germline. Affected: yes.
Comment: Nonsense variant predicted to result in protein truncation or nonsense mediated decay in a gene for which loss of function is a known mechanism of disease; Not observed at significant frequency in large population cohorts (gnomAD); This variant is associated with the following publications: (PMID: 36980535, 34344536, 32135084)

CeGaT Center for Human Genetics Tuebingen
Classification: Likely pathogenic. Last evaluated: 2018-03-01. Review status: criteria provided, single submitter. Criteria: CeGaT Center For Human Genetics Tuebingen Variant Classification Criteria Version 2. Collection method: clinical testing. Allele origin: germline. Affected: yes. Observed: 1 variant allele.

NM_001356.5(DDX3X):c.79C>T (p.Gln27Ter)

Gene: DDX3X (DEAD-box helicase 3 X-linked; plus strand). Cytogenetic location: Xp11.4.
Variant type: single nucleotide variant.
Coding change: c.79C>T on transcript NM_001356.5 (MANE Select); coding-DNA position 79, C replaced by T.
Protein change: p.Gln27Ter; replaces glutamine 27 with a stop codon.
Molecular consequence: nonsense. On other transcripts: 5 prime UTR variant (1), non-coding transcript variant (2).
Genome position (GRCh38, 1-based): chrX:41,337,441, C>T. VCF-style: chrX-41337441-C-T. GRCh37 (hg19) VCF-style: chrX-41196694-C-T.
Other names: c.79C>T, p.Gln27Ter (NM_001193416.3, NM_001193417.3); c.-1825C>T (NM_001363819.1); c.79C>T (NM_001193416.1); short protein forms Q27*.
Identifiers: ClinVar variation 810575 (VCV000810575.42), dbSNP rs1602119250, ClinGen allele CA412762492.